The following is an entry in ClinVar:

NM_001134407.3(GRIN2A):c.*7112A>T

Gene: GRIN2A (glutamate ionotropic receptor NMDA type subunit 2A; minus strand). Cytogenetic location: 16p13.2.
Variant type: single nucleotide variant.
Coding change: c.*7112A>T on transcript NM_001134407.3 (MANE Select); 7112 bases downstream of the stop codon, A replaced by T.
Molecular consequence: 3 prime UTR variant.
Genome position (GRCh38, 1-based): chr16:9,756,037, T>A on the plus strand (A>T on the coding strand, the complement: GRIN2A is on the minus strand). VCF-style: chr16-9756037-T-A. GRCh37 (hg19) VCF-style: chr16-9849894-T-A.
Other names: c.*7112A>T (NM_000833.5); c.*7318A>T (NM_001134408.2).
Identifiers: ClinVar variation 321490 (VCV000321490.5), dbSNP rs143274147, ClinGen allele CA10649394.

ClinVar aggregate classification (germline): Benign (1 of 4 stars; one submission).

Conditions:
Landau-Kleffner syndrome (FESD). Also called: EPILEPSY, FOCAL, WITH SPEECH DISORDER AND WITH OR WITHOUT MENTAL RETARDATION; APHASIA, ACQUIRED, WITH EPILEPSY. Identifiers: Orphanet 1945, Orphanet 725, Orphanet 98818, MedGen C0282512, MONDO:0009509, OMIM 245570.

Allele frequency attached by ClinVar (database versions not stated): 1000 Genomes Project 30x 0.00859; TOPMed 0.00935; 1000 Genomes Project 0.00859.
gnomAD v4.1: 1,335 of 220,488 alleles (0.61%); highest among the groups gnomAD compares: African/African-American, 2.8%; 13 homozygotes.

Submission:

Illumina Laboratory Services, Illumina
Classification: Benign for Landau-Kleffner syndrome. Last evaluated: 2018-01-12. Review status: criteria provided, single submitter. Criteria: ICSL Variant Classification Criteria 13 December 2019. Collection method: clinical testing. Allele origin: germline.
Comment: This variant was observed in the ICSL laboratory as part of a predisposition screen in an ostensibly healthy population. It had not been previously curated by ICSL or reported in the Human Gene Mutation Database (HGMD: prior to June 1st, 2018), and was therefore a candidate for classification through an automated scoring system. Utilizing variant allele frequency, disease prevalence and penetrance estimates, and inheritance mode, an automated score was calculated to assess if this variant is too frequent to cause the disease. Based on the score and internal cut-off values, a variant classified as benign is not then subjected to further curation. The score for this variant resulted in a classification of benign for this disease.